The following is an entry in ClinVar:

ClinVar aggregate classification (germline): Uncertain significance (1 of 4 stars; one submission).

Conditions:
Inborn genetic diseases. Identifiers: MedGen C0950123, MeSH D030342.

Submission:

Ambry Genetics
Classification: Uncertain significance for Inborn genetic diseases. Last evaluated: 2025-09-07. Review status: criteria provided, single submitter. Criteria: Ambry Variant Classification Scheme 2023. Collection method: clinical testing. Allele origin: germline.
Comment: The p.D104G variant (also known as c.311A>G), located in coding exon 5 of the ASXL1 gene, results from an A to G substitution at nucleotide position 311. The aspartic acid at codon 104 is replaced by glycine, an amino acid with similar properties. This amino acid position is conserved. In addition, this alteration is predicted to be tolerated by in silico analysis. Based on the available evidence, the clinical significance of this variant remains unclear.

NM_015338.6(ASXL1):c.311A>G (p.Asp104Gly)

Gene: ASXL1 (ASXL transcriptional regulator 1; plus strand). Cytogenetic location: 20q11.21.
Variant type: single nucleotide variant.
Coding change: c.311A>G on transcript NM_015338.6 (MANE Select); coding-DNA position 311, A replaced by G.
Protein change: p.Asp104Gly; replaces aspartic acid 104 with glycine.
Molecular consequence: missense variant.
Genome position (GRCh38, 1-based): chr20:32,428,186, A>G. VCF-style: chr20-32428186-A-G. GRCh37 (hg19) VCF-style: chr20-31015989-A-G.
Other names: c.281A>G, p.Asp94Gly (NM_001363734.1); short protein forms D104G, D94G.
Identifiers: ClinVar variation 4159516 (VCV004159516.1).